The following is an entry in ClinVar:

ClinVar aggregate classification (germline): Likely benign. Review status: criteria provided, multiple submitters, no conflicts (2 of 4 stars). 2 submissions from 2 submitters: Likely benign (2). Last evaluated 2024-11-06.

Allele frequency attached by ClinVar (database versions not stated): gnomAD exomes 0.00029; ExAC 0.00113; gnomAD 0.00296; ESP Exome Variant Server 0.00302; TOPMed 0.00332; 1000 Genomes Project 0.00379; 1000 Genomes Project 30x 0.00437.
gnomAD v4.1: 898 of 1,607,104 alleles (0.056%); highest among the groups gnomAD compares: African/African-American, 0.99%; 2 homozygotes.

Submissions (2):

Blueprint Genetics
Classification: Likely benign. Last evaluated: 2024-11-06. Review status: criteria provided, single submitter. Criteria: ACMG Guidelines, 2015. Collection method: clinical testing. Allele origin: germline.

CeGaT Center for Human Genetics Tuebingen
Classification: Likely benign. Last evaluated: 2023-12-01. Review status: criteria provided, single submitter. Criteria: CeGaT Center For Human Genetics Tuebingen Variant Classification Criteria Version 2. Collection method: clinical testing. Allele origin: germline. Affected: yes. Observed: 1 variant allele.
Comment: DIS3L2: BS1

NM_152383.5(DIS3L2):c.702+45C>G

Gene: DIS3L2 (DIS3 like 3'-5' exoribonuclease 2; plus strand). Cytogenetic location: 2q37.1.
Variant type: single nucleotide variant.
Coding change: c.702+45C>G on transcript NM_152383.5 (MANE Select); 45 bases into the intron after coding-DNA position 702, C replaced by G.
Molecular consequence: intron variant. On other transcripts: synonymous variant (1), non-coding transcript variant (1).
Genome position (GRCh38, 1-based): chr2:232,130,764, C>G. VCF-style: chr2-232130764-C-G. GRCh37 (hg19) VCF-style: chr2-232995474-C-G.
Other names: c.747C>G, p.Thr249= (NM_001257282.2); c.702+45C>G (NM_001257281.2).
Identifiers: ClinVar variation 3025622 (VCV003025622.23), dbSNP rs79182410, ClinGen allele CA2163912.